The following is an entry in ClinVar:

ClinVar aggregate classification (germline): Likely benign. Review status: criteria provided, multiple submitters, no conflicts (2 of 4 stars). 3 submissions from 3 submitters: Likely benign (3). Last evaluated 2025-09-27.

Conditions:
Hereditary breast ovarian cancer syndrome. Also called: Hereditary breast and ovarian cancer; Hereditary breast and ovarian cancer syndrome (HBOC); BRCA1- and BRCA2-Associated Hereditary Breast and Ovarian Cancer; Hereditary breast and ovarian cancer syndrome; Hereditary breast and/or ovarian cancer syndrome; Breast and ovarian cancer. Identifiers: Orphanet 145, MedGen C0677776, MeSH D061325, MONDO:0003582. Disease mechanism: loss of function.
BRCA1-related cancer predisposition. Identifiers: MedGen CN377757, MONDO:0700268.
Hereditary cancer-predisposing syndrome. Also called: Hereditary Cancer Syndrome; Tumor predisposition; Hereditary neoplastic syndrome; Neoplastic Syndromes, Hereditary. Identifiers: Orphanet 140162, MedGen C0027672, MeSH D009386, MONDO:0015356.

Submissions (3):

Labcorp Genetics (formerly Invitae), Labcorp
Classification: Likely benign for Hereditary breast ovarian cancer syndrome. Last evaluated: 2025-09-27. Review status: criteria provided, single submitter. Criteria: Invitae Variant Classification Sherloc (09022015). Collection method: clinical testing. Allele origin: germline.

All of Us Research Program, National Institutes of Health
Classification: Likely benign for BRCA1-related cancer predisposition. Last evaluated: 2024-06-17. Review status: criteria provided, single submitter. Criteria: ACMG Guidelines, 2015. Collection method: clinical testing. Allele origin: germline. Inheritance: Autosomal dominant inheritance. Observed: 1 variant allele, 1 heterozygote.
Comment: This study involves interpretation of variants in research participants for the purpose of population health screening. Participant phenotype was not available at the time of variant classification. Additional details can be found in publication PMID: 35346344, PMCID: PMC8962531

Ambry Genetics
Classification: Likely benign for Hereditary cancer-predisposing syndrome. Last evaluated: 2024-03-29. Review status: criteria provided, single submitter. Criteria: Ambry Variant Classification Scheme 2023. Collection method: clinical testing. Allele origin: germline.

NM_007294.4(BRCA1):c.4077A>G (p.Gln1359=)

Genes: BRCA1 (BRCA1 DNA repair associated; minus strand), LOC126862571 (BRD4-independent group 4 enhancer GRCh37_chr17:41243136-41244335; plus strand). Cytogenetic location: 17q21.31.
Variant type: single nucleotide variant.
Coding change: c.4077A>G on transcript NM_007294.4 (MANE Select); coding-DNA position 4077, A replaced by G.
Protein change: p.Gln1359=; no amino-acid change (glutamine 1359 retained).
Molecular consequence: synonymous variant. On other transcripts: intron variant (135).
Genome position (GRCh38, 1-based): chr17:43,091,454, T>C on the plus strand (A>G on the coding strand, the complement: BRCA1 is on the minus strand). VCF-style: chr17-43091454-T-C. GRCh37 (hg19) VCF-style: chr17-41243471-T-C.
Other names: c.4077A>G, p.Gln1359= (NM_001407582.1, NM_001407581.1, NM_001407583.1 and 30 more transcripts); c.3864A>G, p.Gln1288= (NM_001407571.1, NM_001407853.1, NM_001407894.1 and 9 more transcripts); c.4074A>G, p.Gln1358= (NM_001407587.1, NM_001407590.1, NM_001407591.1 and 22 more transcripts); c.668-422A>G (NM_001408424.1, NM_001408421.1, NM_001408431.1); c.785-422A>G (NM_001408407.1, NM_001408402.1, NM_001408473.1 and 13 more transcripts); c.665-422A>G (NM_001408443.1, NM_001408439.1, NM_001408425.1 and 12 more transcripts); c.671-422A>G (NM_001408419.1, NM_001408422.1, NM_001408418.1 and 2 more transcripts); c.788-422A>G (NM_001408403.1, NM_001407983.1, NM_001407975.1 and 17 more transcripts); and 41 more.
Identifiers: ClinVar variation 3261458 (VCV003261458.3).
Genomic context (GRCh38, chr17:43,091,454, plus strand): 5'-ATAAATAGACTGGGGCAAACACAAAAACCTGGTTCCAATACCTAAGTTTGAATCCATGCT[T>C]TGCTCTTCTTGATTATTTTCTTCCAAGCCCGTTCCTCTTTCTTCATCATCTGAAACCAAT-3'
Protein context (NP_009225.1, residues 1349-1369): TGLEENNQEE[Gln1359=]SMDSNLGEAA